The following is an entry in ClinVar:

NM_007294.4(BRCA1):c.180G>T (p.Gln60His)

Gene: BRCA1 (BRCA1 DNA repair associated; minus strand). Cytogenetic location: 17q21.31.
Variant type: single nucleotide variant.
Coding change: c.180G>T on transcript NM_007294.4 (MANE Select); coding-DNA position 180, G replaced by T.
Protein change: p.Gln60His; replaces glutamine 60 with histidine.
Molecular consequence: missense variant. On other transcripts: non-coding transcript variant (1).
Genome position (GRCh38, 1-based): chr17:43,106,488, C>A on the plus strand (G>T on the coding strand, the complement: BRCA1 is on the minus strand). VCF-style: chr17-43106488-C-A. GRCh37 (hg19) VCF-style: chr17-41258505-C-A.
Other names: c.180G>T, p.Gln60His (NM_001407985.1, NM_001407986.1, NM_001407990.1 and 168 more transcripts); c.39G>T, p.Gln13His (NM_001408410.1, NM_001408452.1, NM_001408453.1 and 99 more transcripts); c.-9G>T (NM_001408484.1, NM_001408485.1, NM_001408489.1 and 58 more transcripts); short protein forms Q13H, Q60H.
Identifiers: ClinVar variation 867921 (VCV000867921.3), dbSNP rs2054781252, ClinGen allele CA10601801.
Genomic context (GRCh38, chr17:43,106,488, plus strand): 5'-AACCTAGCATCATTACCAAATTATATACCTTTTGGTTATATCATTCTTACATAAAGGACA[C>A]TGTGAAGGCCCTTTCTTCTGGTTGAGAAGTTTCAGCATGCAAAATCTATAAATTATAAAG-3'
Protein context (NP_009225.1, residues 50-70): KLLNQKKGPS[Gln60His]CPLCKNDITK

Conditions:
Breast-ovarian cancer, familial, susceptibility to, 1 (BROVCA1). Also called: BRCA1 Hereditary Breast and Ovarian Cancer; OVARIAN CANCER, SUSCEPTIBILITY TO. Identifiers: Orphanet 145, MedGen C2676676, MONDO:0011450, OMIM 604370. Disease mechanism: loss of function.

Submission:

Brotman Baty Institute, University of Washington
No classification provided (evidence only). Condition: Breast-ovarian cancer, familial 1. Review status: no classification provided. Collection method: in vitro. Allele origin: not applicable. Functional consequence: functionally_normal.
ClinVar note: "not provided" was previously submitted as the classification for the variant. However, the classification appeared to be based only on an observation of functional data so it was converted to no classification on 2025-07-30.